The following is an entry in ClinVar:

ClinVar aggregate classification (germline): Uncertain significance (1 of 4 stars; one submission).

Conditions:
Bethlem myopathy 1A. Also called: Bethlem myopathy 1; MYOPATHY, BENIGN CONGENITAL, WITH CONTRACTURES; Bethlem Muscular Dystrophy. Identifiers: Orphanet 610, MedGen CN029274, MONDO:0024530, OMIM 158810.

Submission:

Labcorp Genetics (formerly Invitae), Labcorp
Classification: Uncertain significance for Bethlem myopathy 1A. Last evaluated: 2023-04-30. Review status: criteria provided, single submitter. Criteria: Invitae Variant Classification Sherloc (09022015). Collection method: clinical testing. Allele origin: germline.
Comment: This sequence change replaces alanine, which is neutral and non-polar, with serine, which is neutral and polar, at codon 1832 of the COL6A3 protein (p.Ala1832Ser). This variant is not present in population databases (gnomAD no frequency). This variant has not been reported in the literature in individuals affected with COL6A3-related conditions. Advanced modeling of protein sequence and biophysical properties (such as structural, functional, and spatial information, amino acid conservation, physicochemical variation, residue mobility, and thermodynamic stability) performed at Invitae indicates that this missense variant is not expected to disrupt COL6A3 protein function. In summary, the available evidence is currently insufficient to determine the role of this variant in disease. Therefore, it has been classified as a Variant of Uncertain Significance.

NM_004369.4(COL6A3):c.5494G>T (p.Ala1832Ser)

Gene: COL6A3 (collagen type VI alpha 3 chain; minus strand). Cytogenetic location: 2q37.3.
Variant type: single nucleotide variant.
Coding change: c.5494G>T on transcript NM_004369.4 (MANE Select); coding-DNA position 5494, G replaced by T.
Protein change: p.Ala1832Ser; replaces alanine 1832 with serine.
Molecular consequence: missense variant.
Genome position (GRCh38, 1-based): chr2:237,366,693, C>A on the plus strand (G>T on the coding strand, the complement: COL6A3 is on the minus strand). VCF-style: chr2-237366693-C-A. GRCh37 (hg19) VCF-style: chr2-238275336-C-A.
Other names: c.3673G>T, p.Ala1225Ser (NM_057166.5); c.4876G>T, p.Ala1626Ser (NM_057167.4); short protein forms A1225S, A1626S, A1832S.
Identifiers: ClinVar variation 2860855 (VCV002860855.3), dbSNP rs1444138920, ClinGen allele CA351187158.